The following is an entry in ClinVar:

NM_006765.4(TUSC3):c.85C>T (p.Leu29Phe)

Gene: TUSC3 (tumor suppressor candidate 3; plus strand). Cytogenetic location: 8p22.
Variant type: single nucleotide variant.
Coding change: c.85C>T on transcript NM_006765.4 (MANE Select); coding-DNA position 85, C replaced by T.
Protein change: p.Leu29Phe; replaces leucine 29 with phenylalanine.
Molecular consequence: missense variant.
Genome position (GRCh38, 1-based): chr8:15,540,515, C>T. VCF-style: chr8-15540515-C-T. GRCh37 (hg19) VCF-style: chr8-15398024-C-T.
Other names: c.85C>T, p.Leu29Phe (NM_001356429.2, NM_001413583.1, NM_001413673.1 and 17 more transcripts); c.-230C>T (NM_001413677.1); c.-133C>T (NM_001413678.1); short protein forms L29F.
Identifiers: ClinVar variation 1980008 (VCV001980008.4), dbSNP rs545107135, ClinGen allele CA172832716.

ClinVar aggregate classification (germline): Uncertain significance (1 of 4 stars; one submission).

Conditions:
Intellectual developmental disorder, autosomal recessive 7. Also called: Intellectual disability, autosomal recessive 7. Identifiers: Orphanet 88616, MedGen C1970197, MONDO:0012615, OMIM 611093.

Allele frequency attached by ClinVar (database versions not stated): gnomAD 0.00001; gnomAD exomes 0.00001.

Submission:

Labcorp Genetics (formerly Invitae), Labcorp
Classification: Uncertain significance for Intellectual developmental disorder, autosomal recessive 7. Last evaluated: 2024-11-11. Review status: criteria provided, single submitter. Criteria: Invitae Variant Classification Sherloc (09022015). Collection method: clinical testing. Allele origin: germline.
Comment: This sequence change replaces leucine, which is neutral and non-polar, with phenylalanine, which is neutral and non-polar, at codon 29 of the TUSC3 protein (p.Leu29Phe). This variant is present in population databases (rs545107135, gnomAD 0.001%). This variant has not been reported in the literature in individuals affected with TUSC3-related conditions. ClinVar contains an entry for this variant (Variation ID: 1980008). An algorithm developed to predict the effect of missense changes on protein structure and function (PolyPhen-2) suggests that this variant is likely to be tolerated. In summary, the available evidence is currently insufficient to determine the role of this variant in disease. Therefore, it has been classified as a Variant of Uncertain Significance.